The following is an entry in ClinVar:

ClinVar aggregate classification (germline): Uncertain significance (1 of 4 stars; one submission).

Allele frequency attached by ClinVar (database versions not stated): gnomAD exomes below 0.00001.
gnomAD v4.1: 2 of 1,614,180 alleles (0.00012%); highest among the groups gnomAD compares: Non-Finnish European, 0.00017%; no homozygotes.

Submission:

Labcorp Genetics (formerly Invitae), Labcorp
Classification: Uncertain significance. Last evaluated: 2022-07-15. Review status: criteria provided, single submitter. Criteria: Invitae Variant Classification Sherloc (09022015). Collection method: clinical testing. Allele origin: germline.
Comment: This variant is not present in population databases (gnomAD no frequency). This variant has not been reported in the literature in individuals affected with ABCA4-related conditions. Advanced modeling of protein sequence and biophysical properties (such as structural, functional, and spatial information, amino acid conservation, physicochemical variation, residue mobility, and thermodynamic stability) performed at Invitae indicates that this missense variant is expected to disrupt ABCA4 protein function. Algorithms developed to predict the effect of sequence changes on RNA splicing suggest that this variant may create or strengthen a splice site. In summary, the available evidence is currently insufficient to determine the role of this variant in disease. Therefore, it has been classified as a Variant of Uncertain Significance. This sequence change replaces proline, which is neutral and non-polar, with serine, which is neutral and polar, at codon 1217 of the ABCA4 protein (p.Pro1217Ser).

NM_000350.3(ABCA4):c.3649C>T (p.Pro1217Ser)

Genes: ABCA4 (ATP binding cassette subfamily A member 4; minus strand), LOC126805794 (BRD4-independent group 4 enhancer GRCh37_chr1:94502188-94503387; plus strand). Cytogenetic location: 1p22.1.
Variant type: single nucleotide variant.
Coding change: c.3649C>T on transcript NM_000350.3 (MANE Select); coding-DNA position 3649, C replaced by T.
Protein change: p.Pro1217Ser; replaces proline 1217 with serine.
Molecular consequence: missense variant.
Genome position (GRCh38, 1-based): chr1:94,037,309, G>A on the plus strand (C>T on the coding strand, the complement: ABCA4 is on the minus strand). VCF-style: chr1-94037309-G-A. GRCh37 (hg19) VCF-style: chr1-94502865-G-A.
Other names: c.3427C>T, p.Pro1143Ser (NM_001425324.1); short protein forms P1217S, P1143S.
Identifiers: ClinVar variation 1715645 (VCV001715645.6), dbSNP rs2523752189, ClinGen allele CA341289538.